The following is an entry in ClinVar:

NM_001243177.4(ALDOA):c.1201G>A (p.Gly401Ser)

Genes: ALDOA (aldolase, fructose-bisphosphate A; plus strand), LOC112694756 (uncharaterized LOC112694756; plus strand). Cytogenetic location: 16p11.2.
Variant type: single nucleotide variant.
Coding change: c.1201G>A on transcript NM_001243177.4 (MANE Select); coding-DNA position 1201, G replaced by A.
Protein change: p.Gly401Ser; replaces glycine 401 with serine.
Molecular consequence: missense variant. On other transcripts: 3 prime UTR variant (3).
Genome position (GRCh38, 1-based): chr16:30,070,156, G>A. VCF-style: chr16-30070156-G-A. GRCh37 (hg19) VCF-style: chr16-30081477-G-A.
Other names: NM_000034.3:c.1039G>A; c.*1548G>A (NM_001365304.2, NM_001365305.2, NM_001365307.2); c.1039G>A, p.Gly347Ser (NM_001127617.2, NM_184041.5, NM_184043.2); short protein forms G347S, G401S.
Identifiers: ClinVar variation 318840 (VCV000318840.62), dbSNP rs138824667, ClinGen allele CA8001250.

ClinVar aggregate classification (germline): Conflicting classifications of pathogenicity. Review status: criteria provided, conflicting classifications (1 of 4 stars). 8 submissions from 8 submitters: Uncertain significance (1); Benign (1); Likely benign (5). 1 of the submissions does not count toward it. Last evaluated 2026-02-01.

Conditions:
ALDOA-related disorder. Also called: ALDOA-related condition.
HNSHA due to aldolase A deficiency (GSD12). Also called: GSD XII; RED CELL ALDOLASE DEFICIENCY; GLYCOGEN STORAGE DISEASE XII; Glycogen storage disease due to aldolase A deficiency. Identifiers: Orphanet 57, MedGen C0272066, MONDO:0012747, OMIM 611881.

Allele frequency attached by ClinVar (database versions not stated): 1000 Genomes Project 0.00080; 1000 Genomes Project 30x 0.00094; TOPMed 0.00190; ESP Exome Variant Server 0.00215; gnomAD 0.00248 and 0.00256; ExAC 0.00255.
gnomAD v4.1: 4,804 of 1,614,116 alleles (0.3%); highest among the groups gnomAD compares: Non-Finnish European, 0.34%; 13 homozygotes.

Submissions (8):

Labcorp Genetics (formerly Invitae), Labcorp
Classification: Benign for HNSHA due to aldolase A deficiency. Last evaluated: 2026-02-01. Review status: criteria provided, single submitter. Criteria: Invitae Variant Classification Sherloc (09022015). Collection method: clinical testing. Allele origin: germline.

CeGaT Center for Human Genetics Tuebingen
Classification: Likely benign. Last evaluated: 2025-06-01. Review status: criteria provided, single submitter. Criteria: CeGaT Center For Human Genetics Tuebingen Variant Classification Criteria Version 2. Collection method: clinical testing. Allele origin: germline. Affected: yes. Observed: 14 variant alleles.
Comment: ALDOA: BP4, BS2

Blueprint Genetics
Classification: Likely benign. Last evaluated: 2024-11-25. Review status: criteria provided, single submitter. Criteria: ACMG Guidelines, 2015. Collection method: clinical testing. Allele origin: germline.

Mayo Clinic Laboratories, Mayo Clinic
Classification: Uncertain significance. Last evaluated: 2022-05-11. Review status: criteria provided, single submitter. Criteria: ACMG Guidelines, 2015. Collection method: clinical testing. Allele origin: germline. Observed: 6 variant alleles.
Comment: BS1

ARUP Laboratories, Molecular Genetics and Genomics, ARUP Laboratories
Classification: Likely benign for HNSHA due to aldolase A deficiency. Last evaluated: 2022-03-22. Review status: criteria provided, single submitter. Criteria: ARUP Molecular Germline Variant Investigation Process 2021. Collection method: clinical testing. Allele origin: germline.

GeneDx
Classification: Likely benign. Last evaluated: 2019-11-11. Review status: criteria provided, single submitter. Criteria: GeneDx Variant Classification Process June 2021. Collection method: clinical testing. Allele origin: germline. Affected: yes.

Mendelics
Classification: Likely benign for HNSHA due to aldolase A deficiency. Last evaluated: 2019-05-28. Review status: criteria provided, single submitter. Criteria: Mendelics Assertion Criteria 2017. Collection method: clinical testing. Allele origin: unknown.

PreventionGenetics, part of Exact Sciences
Classification: Likely benign for ALDOA-related condition. Last evaluated: 2019-12-09. Review status: no assertion criteria provided. Collection method: clinical testing. Allele origin: germline. Not counted in ClinVar's aggregate classification.
Comment: This variant is classified as likely benign based on ACMG/AMP sequence variant interpretation guidelines (Richards et al. 2015 PMID: 25741868, with internal and published modifications).